The following is an entry in ClinVar:

NM_001048174.2(MUTYH):c.1393-14_1393-11del

Gene: MUTYH (mutY DNA glycosylase; minus strand). Cytogenetic location: 1p34.1.
Variant type: Deletion.
Coding change: c.1393-14_1393-11del on transcript NM_001048174.2 (MANE Select); 14 bases into the intron before coding-DNA position 1393 through 11 bases into the intron before coding-DNA position 1393, 4 bases deleted (GTCT; older notation c.1393-14_1393-11delGTCT).
Molecular consequence: intron variant.
Genome position (GRCh38, 1-based): chr1:45,330,568-45,330,571, AGAC deleted on the plus strand (GTCT on the coding strand, the reverse complement: MUTYH is on the minus strand); deleting any 4 consecutive bases within chr1:45,330,568-45,330,573 gives the same sequence; the c. name uses the placement nearest the transcript's 3' end. VCF-style (leftmost placement, unchanged base first): chr1-45330567-AAGAC-A. GRCh37 (hg19) VCF-style: chr1-45796239-AAGAC-A.
Other names: c.1393-14_1393-11del (NM_001407072.1, NM_001407073.1, NM_001048171.2 and 6 more transcripts); c.1048-14_1048-11del (NM_001350651.2, NM_001350650.2, NM_001407082.1); c.1117-14_1117-11del (NM_001293192.2, NM_001293196.2, NM_001407091.1); c.1438-14_1438-11del (NM_001293190.2); c.1426-14_1426-11del (NM_001407069.1, NM_001407077.1, NM_001293191.2); c.1468-14_1468-11del (NM_012222.3); c.1477-14_1477-11del (NM_001128425.2); c.1396-14_1396-11del (NM_001407071.1, NM_001048172.2, NM_001407078.1 and 1 more transcripts); and 5 more.
Identifiers: ClinVar variation 3685430 (VCV003685430.2).
Genomic context (GRCh38, chr1:45,330,567, plus strand): 5'-GAGACTTACCATACAGGTCCCTGGCTGTTGGCCCTGATACACACGGAAAACCTAGACAAG[AAGAC>A]AGGGAGGTGAGGGCTGGCACTTTTTGCAAAAGAGATAAACCGGTGTTCTGCCCTTAACTT-3'

ClinVar aggregate classification (germline): Uncertain significance (1 of 4 stars; one submission).

Conditions:
Familial adenomatous polyposis 2. Also called: COLORECTAL ADENOMATOUS POLYPOSIS, AUTOSOMAL RECESSIVE; ADENOMAS, MULTIPLE COLORECTAL, AUTOSOMAL RECESSIVE; MYH-associated polyposis; Adenomas, multiple colorectal; FAP type 2; MUTYH-associated polyposis. Identifiers: Orphanet 220460, Orphanet 247798, MedGen C3272841, MONDO:0012041, OMIM 608456.

Submission:

Labcorp Genetics (formerly Invitae), Labcorp
Classification: Uncertain significance for Familial adenomatous polyposis 2. Last evaluated: 2024-07-30. Review status: criteria provided, single submitter. Criteria: Invitae Variant Classification Sherloc (09022015). Collection method: clinical testing. Allele origin: germline.
Comment: This sequence change falls in intron 14 of the MUTYH gene. It does not directly change the encoded amino acid sequence of the MUTYH protein. This variant is not present in population databases (gnomAD no frequency). This variant has not been reported in the literature in individuals affected with MUTYH-related conditions. Algorithms developed to predict the effect of sequence changes on RNA splicing suggest that this variant may disrupt the consensus splice site. In summary, the available evidence is currently insufficient to determine the role of this variant in disease. Therefore, it has been classified as a Variant of Uncertain Significance.